The following is an entry in ClinVar:

ClinVar aggregate classification (germline): Pathogenic (1 of 4 stars; one submission).

Conditions:
Joubert syndrome. Also called: CEREBELLOPARENCHYMAL DISORDER IV; JOUBERT-BOLTSHAUSER SYNDROME; Familial aplasia of the vermis. Identifiers: Orphanet 475, MedGen C5979921, MONDO:0018772.
Nephronophthisis. Also called: Juvenile Nephronophthisis. Identifiers: Orphanet 655, MedGen C0687120, MONDO:0019005, HP:0000090.
Meckel-Gruber syndrome. Also called: DYSENCEPHALIA SPLANCHNOCYSTICA; GRUBER SYNDROME; Dysencephalia splachnocystica. Identifiers: Orphanet 564, MedGen C0265215, MONDO:0018921.

Submission:

Labcorp Genetics (formerly Invitae), Labcorp
Classification: Pathogenic for Joubert syndrome; Meckel-Gruber syndrome; Nephronophthisis. Last evaluated: 2021-10-08. Review status: criteria provided, single submitter. Criteria: Invitae Variant Classification Sherloc (09022015). Collection method: clinical testing. Allele origin: germline.
Comment: This variant has not been reported in the literature in individuals affected with CEP290-related conditions. For these reasons, this variant has been classified as Pathogenic. This variant is not present in population databases (ExAC no frequency). This sequence change creates a premature translational stop signal (p.Glu221*) in the CEP290 gene. It is expected to result in an absent or disrupted protein product. Loss-of-function variants in CEP290 are known to be pathogenic (PMID: 16909394, 17345604, 20690115).

Literature cited by the submitters: PubMed 16909394; PubMed 17345604; PubMed 20690115.

NM_025114.4(CEP290):c.661G>T (p.Glu221Ter)

Gene: CEP290 (centrosomal protein 290; minus strand). Cytogenetic location: 12q21.32.
Variant type: single nucleotide variant.
Coding change: c.661G>T on transcript NM_025114.4 (MANE Select); coding-DNA position 661, G replaced by T.
Protein change: p.Glu221Ter; replaces glutamic acid 221 with a stop codon.
Molecular consequence: nonsense.
Genome position (GRCh38, 1-based): chr12:88,130,276, C>A on the plus strand (G>T on the coding strand, the complement: CEP290 is on the minus strand). VCF-style: chr12-88130276-C-A. GRCh37 (hg19) VCF-style: chr12-88524053-C-A.
Other names: short protein forms E221*.
Identifiers: ClinVar variation 1428871 (VCV001428871.6), dbSNP rs2138093974, ClinGen allele CA385986113.
Genomic context (GRCh38, chr12:88,130,276, plus strand): 5'-AAATTAAAGTTTTTAGGAACCATTGCTCTGAATTGACTTCTAGCCATTTTACCTGAATTT[C>A]ATCAAGATATTGGATAAGCTCATAGTTTTTTTTAGACAACTGTGATCGGTAGTCACTGTC-3'